The following is an entry in ClinVar:

ClinVar aggregate classification (germline): Uncertain significance. Review status: criteria provided, multiple submitters, no conflicts (2 of 4 stars). 4 submissions from 4 submitters: Uncertain significance (4). Last evaluated 2025-12-15.

Conditions:
Inborn genetic diseases. Identifiers: MedGen C0950123, MeSH D030342.

Allele frequency attached by ClinVar (database versions not stated): gnomAD 0.00003 and 0.00004; ExAC 0.00004; gnomAD exomes 0.00004 and 0.00006; TOPMed 0.00005.
gnomAD v4.1: 71 of 1,608,328 alleles (0.0044%); highest among the groups gnomAD compares: Admixed American, 0.0033%; 1 homozygote.

Submissions (4):

Labcorp Genetics (formerly Invitae), Labcorp
Classification: Uncertain significance. Last evaluated: 2025-12-15. Review status: criteria provided, single submitter. Criteria: Invitae Variant Classification Sherloc (09022015). Collection method: clinical testing. Allele origin: germline.
Comment: This sequence change replaces valine, which is neutral and non-polar, with isoleucine, which is neutral and non-polar, at codon 216 of the PEX3 protein (p.Val216Ile). This variant is present in population databases (rs753255145, gnomAD 0.02%). This variant has not been reported in the literature in individuals affected with PEX3-related conditions. ClinVar contains an entry for this variant (Variation ID: 595135). Invitae Evidence Modeling of protein sequence and biophysical properties (such as structural, functional, and spatial information, amino acid conservation, physicochemical variation, residue mobility, and thermodynamic stability) indicates that this missense variant is not expected to disrupt PEX3 protein function with a negative predictive value of 80%. In summary, the available evidence is currently insufficient to determine the role of this variant in disease. Therefore, it has been classified as a Variant of Uncertain Significance.

Ambry Genetics
Classification: Uncertain significance for Inborn genetic diseases. Last evaluated: 2020-11-04. Review status: criteria provided, single submitter. Criteria: Ambry Variant Classification Scheme 2023. Collection method: clinical testing. Allele origin: germline.
Comment: The c.646G>A (p.V216I) alteration is located in coding exon 8 of the PEX3 gene. This alteration results from a G to A substitution at nucleotide position 646, causing the valine (V) at amino acid position 216 to be replaced by an isoleucine (I). This amino acid position is well conserved in available vertebrate species. The p.V216I alteration is predicted to be tolerated by in silico analysis. Based on insufficient or conflicting evidence, the clinical significance of this alteration remains unclear.

Eurofins Ntd Llc (ga)
Classification: Uncertain significance. Last evaluated: 2018-07-05. Review status: criteria provided, single submitter. Criteria: EGL ClinVar v180209 classification definitions. Collection method: clinical testing. Allele origin: germline. Observed: 2 variant alleles, 2 heterozygotes.

Breakthrough Genomics
Classification: Uncertain significance. Review status: criteria provided, single submitter. Criteria: ACMG Guidelines, 2015. Collection method: not provided. Allele origin: germline. Inheritance: Autosomal recessive inheritance. Affected: yes.

NM_003630.3(PEX3):c.646G>A (p.Val216Ile)

Gene: PEX3 (peroxisomal biogenesis factor 3; plus strand). Cytogenetic location: 6q24.2.
Variant type: single nucleotide variant.
Coding change: c.646G>A on transcript NM_003630.3 (MANE Select); coding-DNA position 646, G replaced by A.
Protein change: p.Val216Ile; replaces valine 216 with isoleucine.
Molecular consequence: missense variant.
Genome position (GRCh38, 1-based): chr6:143,472,227, G>A. VCF-style: chr6-143472227-G-A. GRCh37 (hg19) VCF-style: chr6-143793364-G-A.
Other names: short protein forms V216I.
Identifiers: ClinVar variation 595135 (VCV000595135.14), dbSNP rs753255145, ClinGen allele CA4029646.